The following is an entry in ClinVar:

NM_001367561.1(DOCK7):c.4401C>G (p.His1467Gln)

Gene: DOCK7 (dedicator of cytokinesis 7; minus strand). Cytogenetic location: 1p31.3.
Variant type: single nucleotide variant.
Coding change: c.4401C>G on transcript NM_001367561.1 (MANE Select); coding-DNA position 4401, C replaced by G.
Protein change: p.His1467Gln; replaces histidine 1467 with glutamine.
Molecular consequence: missense variant.
Genome position (GRCh38, 1-based): chr1:62,508,037, G>C on the plus strand (C>G on the coding strand, the complement: DOCK7 is on the minus strand). VCF-style: chr1-62508037-G-C. GRCh37 (hg19) VCF-style: chr1-62973708-G-C.
Other names: c.4374C>G, p.His1458Gln (NM_001271999.2, NM_001330614.2); c.4281C>G, p.His1427Gln (NM_001272000.2, NM_001272001.2); c.4308C>G, p.His1436Gln (NM_033407.4); short protein forms H1427Q, H1467Q, H1436Q, H1458Q.
Identifiers: ClinVar variation 841649 (VCV000841649.13), dbSNP rs775069403, ClinGen allele CA340621638.

ClinVar aggregate classification (germline): Uncertain significance (1 of 4 stars; one submission).

Conditions:
Developmental and epileptic encephalopathy, 23 (DEE23). Also called: Epileptic encephalopathy, early infantile, 23. Identifiers: Orphanet 411986, MedGen C4014492, MONDO:0014371, OMIM 615859.

Submission:

Labcorp Genetics (formerly Invitae), Labcorp
Classification: Uncertain significance for Developmental and epileptic encephalopathy, 23. Last evaluated: 2019-12-11. Review status: criteria provided, single submitter. Criteria: Invitae Variant Classification Sherloc (09022015). Collection method: clinical testing. Allele origin: germline.
Comment: This variant has not been reported in the literature in individuals with DOCK7-related conditions. This sequence change replaces histidine with glutamine at codon 1458 of the DOCK7 protein (p.His1458Gln). The histidine residue is moderately conserved and there is a small physicochemical difference between histidine and glutamine. This variant is not present in population databases (ExAC no frequency). Algorithms developed to predict the effect of missense changes on protein structure and function (SIFT, PolyPhen-2, Align-GVGD) all suggest that this variant is likely to be tolerated, but these predictions have not been confirmed by published functional studies and their clinical significance is uncertain. In summary, the available evidence is currently insufficient to determine the role of this variant in disease. Therefore, it has been classified as a Variant of Uncertain Significance.